The following is an entry in ClinVar:

ClinVar aggregate classification (germline): Likely benign. Review status: reviewed by expert panel (3 of 4 stars). 4 submissions from 4 submitters: Likely benign (1). 3 of the submissions do not count toward it. Last evaluated 2017-06-29.

Conditions:
Hereditary breast ovarian cancer syndrome. Also called: Breast and ovarian cancer; Hereditary breast and ovarian cancer; Hereditary breast and ovarian cancer syndrome; Hereditary breast and/or ovarian cancer syndrome; BRCA1- and BRCA2-Associated Hereditary Breast and Ovarian Cancer; Hereditary breast and ovarian cancer syndrome (HBOC). Identifiers: Orphanet 145, MedGen C0677776, MeSH D061325, MONDO:0003582. Disease mechanism: loss of function.
Breast-ovarian cancer, familial, susceptibility to, 1 (BROVCA1). Also called: BRCA1 Hereditary Breast and Ovarian Cancer; OVARIAN CANCER, SUSCEPTIBILITY TO. Identifiers: Orphanet 145, MedGen C2676676, MONDO:0011450, OMIM 604370. Disease mechanism: loss of function.
Hereditary cancer-predisposing syndrome. Also called: Tumor predisposition; Hereditary Cancer Syndrome; Neoplastic Syndromes, Hereditary; Hereditary neoplastic syndrome. Identifiers: Orphanet 140162, MedGen C0027672, MeSH D009386, MONDO:0015356.

gnomAD v4.1: 1 of 1,609,114 alleles (0.000062%); highest among the groups gnomAD compares: Non-Finnish European, 0.000085%; no homozygotes.

Submissions (4):

Evidence-based Network for the Interpretation of Germline Mutant Alleles (ENIGMA)
Classification: Likely benign for Breast-ovarian cancer, familial, susceptibility to, 1. Last evaluated: 2017-06-29. Review status: reviewed by expert panel. Criteria: ENIGMA BRCA1/2 Classification Criteria (2017-06-29). Collection method: curation. Allele origin: germline.
Comment: Synonymous substitution variant, with low bioinformatic likelihood to result in a splicing aberration (Splicing prior probability 0.02).

Labcorp Genetics (formerly Invitae), Labcorp
Classification: Likely benign for Hereditary breast ovarian cancer syndrome. Last evaluated: 2024-04-22. Review status: criteria provided, single submitter. Criteria: Invitae Variant Classification Sherloc (09022015). Collection method: clinical testing. Allele origin: germline. Not counted in ClinVar's aggregate classification.

Color Diagnostics, LLC DBA Color Health
Classification: Likely benign for Hereditary cancer-predisposing syndrome. Last evaluated: 2018-02-05. Review status: criteria provided, single submitter. Criteria: ACMG Guidelines, 2015. Collection method: clinical testing. Allele origin: germline. Not counted in ClinVar's aggregate classification.

Ambry Genetics
Classification: Likely benign for Hereditary cancer-predisposing syndrome. Last evaluated: 2015-06-23. Review status: criteria provided, single submitter. Criteria: Ambry Variant Classification Scheme 2023. Collection method: clinical testing. Allele origin: germline. Not counted in ClinVar's aggregate classification.

NM_007294.4(BRCA1):c.309C>T (p.Asn103=)

Gene: BRCA1 (BRCA1 DNA repair associated; minus strand). Cytogenetic location: 17q21.31.
Variant type: single nucleotide variant.
Coding change: c.309C>T on transcript NM_007294.4 (MANE Select); coding-DNA position 309, C replaced by T.
Protein change: p.Asn103=; no amino-acid change (asparagine 103 retained).
Molecular consequence: synonymous variant. On other transcripts: 5 prime UTR variant (7), intron variant (2).
Genome position (GRCh38, 1-based): chr17:43,104,254, G>A on the plus strand (C>T on the coding strand, the complement: BRCA1 is on the minus strand). VCF-style: chr17-43104254-G-A. GRCh37 (hg19) VCF-style: chr17-41256271-G-A.
Other names: c.231C>T, p.Asn77= (NM_001408415.1, NM_001408416.1, NM_001408474.1 and 21 more transcripts); c.309C>T, p.Asn103= (NM_001408418.1, NM_001408419.1, NM_001408420.1 and 165 more transcripts); c.177C>T, p.Asn59= (NM_001408451.1); c.168C>T, p.Asn56= (NM_001408452.1, NM_001408453.1, NM_001408454.1 and 99 more transcripts); c.99C>T, p.Asn33= (NM_001408478.1, NM_001408479.1, NM_001408480.1 and 58 more transcripts); c.-73C>T (NM_001408510.1, NM_001408512.1, NM_001407959.1 and 4 more transcripts); c.-218-9394C>T (NM_001407967.1, NM_001407966.1); c.300C>T, p.Asn100= (NM_001407646.1, NM_001407647.1, NM_001408408.1).
Identifiers: ClinVar variation 232515 (VCV000232515.21), dbSNP rs876659814, ClinGen allele CA10580705.
Genomic context (GRCh38, chr17:43,104,254, plus strand): 5'-AGAAACTTCATCTTTTAGATGTTCAGGAGAGTTATTTTCCTTTTTTGCAAAATTATAGCT[G>A]TTTGCATCTGTAAAATACAAGGGAAAACATTATGTTTGCAGTTAGAGAAAAATGTATGAA-3'
Protein context (NP_009225.1, residues 93-113): FQLDTGLEYA[Asn103=]SYNFAKKENN